The following is an entry in ClinVar:

NM_005909.5(MAP1B):c.5444A>G (p.His1815Arg)

Gene: MAP1B (microtubule associated protein 1B; plus strand). Cytogenetic location: 5q13.2.
Variant type: single nucleotide variant.
Coding change: c.5444A>G on transcript NM_005909.5 (MANE Select); coding-DNA position 5444, A replaced by G.
Protein change: p.His1815Arg; replaces histidine 1815 with arginine.
Molecular consequence: missense variant.
Genome position (GRCh38, 1-based): chr5:72,198,799, A>G. VCF-style: chr5-72198799-A-G. GRCh37 (hg19) VCF-style: chr5-71494626-A-G.
Other names: c.5066A>G, p.His1689Arg (NM_001324255.2); short protein forms H1689R, H1815R.
Identifiers: ClinVar variation 3603279 (VCV003603279.1).

ClinVar aggregate classification (germline): Uncertain significance (1 of 4 stars; one submission).

Conditions:
Hearing loss, autosomal dominant 83. Also called: Deafness, autosomal dominant 83. Identifiers: MedGen C5676951, MONDO:0030723, OMIM 619808.

gnomAD v4.1: 1 of 1,614,216 alleles (0.000062%); highest among the groups gnomAD compares: South Asian, 0.0011%; no homozygotes.

Submission:

Neuberg Centre For Genomic Medicine, NCGM
Classification: Uncertain significance for Hearing loss, autosomal dominant 83. Review status: criteria provided, single submitter. Criteria: ACMG Guidelines, 2015. Collection method: clinical testing. Allele origin: germline. Inheritance: Autosomal dominant inheritance. Affected: yes.
Comment: The observed missense c.5444A>G (p.His1815Arg) variant in MAP1B gene has not been reported previously as a pathogenic variant nor as a benign variant, to our knowledge. The p.His1815Arg variant is present with allele frequency of 0.0004% in gnomAD Exomes. This variant has not been submitted to the ClinVar database. Multiple lines of computational evidence (Polyphen - Benign, SIFT - Tolerated and Mutation Taster - Polymorphism) predict no damaging effect on protein structure and function for this variant. The reference amino acid at this position on MAP1B gene is predicted as conserved by GERP++ and PhyloP across 100 vertebrates. The amino acid His at position 1815 is changed to a Arg changing protein sequence and it might alter its composition and physico-chemical properties. For these reasons, this variant has been classified as Variant of Uncertain Significance (VUS).